The following is an entry in ClinVar:

NM_000027.4(AGA):c.199G>T (p.Glu67Ter)

Gene: AGA (aspartylglucosaminidase; minus strand). Cytogenetic location: 4q34.3.
Variant type: single nucleotide variant.
Coding change: c.199G>T on transcript NM_000027.4 (MANE Select); coding-DNA position 199, G replaced by T.
Protein change: p.Glu67Ter; replaces glutamic acid 67 with a stop codon.
Molecular consequence: nonsense. On other transcripts: non-coding transcript variant (1).
Genome position (GRCh38, 1-based): chr4:177,440,355, C>A on the plus strand (G>T on the coding strand, the complement: AGA is on the minus strand). VCF-style: chr4-177440355-C-A. GRCh37 (hg19) VCF-style: chr4-178361509-C-A.
Other names: c.199G>T, p.Glu67Ter (NM_001171988.2); c.199G>T (NM_000027.3); short protein forms E67*.
Identifiers: ClinVar variation 3384085 (VCV003384085.2).

ClinVar aggregate classification (germline): Likely pathogenic. Review status: criteria provided, multiple submitters, no conflicts (2 of 4 stars). 2 submissions from 2 submitters: Likely pathogenic (2). Last evaluated 2024-10-16.

Conditions:
Aspartylglucosaminuria (AGU). Also called: AGA DEFICIENCY; GLYCOASPARAGINASE; GLYCOSYLASPARAGINASE DEFICIENCY; Aspartylglucos-aminuria; Aspartylglucos-amidase (AGA) deficiency. Identifiers: Orphanet 93, MedGen C0268225, MONDO:0008830, OMIM 208400, HP:0012068.

Submissions (2):

Natera, Inc.
Classification: Likely pathogenic for Aspartylglucosaminuria. Last evaluated: 2024-10-16. Review status: criteria provided, single submitter. Criteria: Natera Variant Classification Schema (03/2026). Collection method: clinical testing. Allele origin: germline.
Comment: The c.199G>T variant in AGA is a nonsense variant predicted to introduce a stop codon at amino acid 67. This variant is expected to result in nonsense mediated decay, truncation, or a dysfunctional protein product. This variant is rare in the general population with a frequency below the threshold expected for the associated phenotype(s). Given the available evidence, this variant is classified as Likely Pathogenic.

Dubai Health Genomic Medicine Center, Dubai Health
Classification: Likely pathogenic for Aspartylglucosaminuria. Last evaluated: 2024-10-04. Review status: criteria provided, single submitter. Criteria: ACMG Guidelines, 2015. Collection method: research. Allele origin: germline. Affected: yes.
Comment: PVS1,PM2